The following is an entry in ClinVar:

ClinVar aggregate classification (germline): Conflicting classifications of pathogenicity. Review status: criteria provided, conflicting classifications (1 of 4 stars). 6 submissions from 6 submitters: Uncertain significance (3); Likely benign (2). 1 of the submissions does not count toward it. Last evaluated 2025-09-04.

Conditions:
Inborn genetic diseases. Identifiers: MedGen C0950123, MeSH D030342.
Lysinuric protein intolerance (LPI). Identifiers: Orphanet 470, MedGen C0268647, MONDO:0009109, OMIM 222700.

Allele frequency attached by ClinVar (database versions not stated): ExAC 0.00011; TOPMed 0.00024; gnomAD 0.00030 and 0.00033; 1000 Genomes Project 0.00040; 1000 Genomes Project 30x 0.00047; ESP Exome Variant Server 0.00054.
gnomAD v4.1: 103 of 1,614,212 alleles (0.0064%); highest among the groups gnomAD compares: African/African-American, 0.12%; 1 homozygote.

Submissions (6):

Mayo Clinic Laboratories, Mayo Clinic
Classification: Likely benign. Last evaluated: 2025-09-04. Review status: criteria provided, single submitter. Criteria: ACMG Guidelines, 2015. Collection method: clinical testing. Allele origin: germline. Observed: 1 variant allele.
Comment: BS1, BP4

Ambry Genetics
Classification: Uncertain significance for Inborn genetic diseases. Last evaluated: 2025-08-09. Review status: criteria provided, single submitter. Criteria: Ambry Variant Classification Scheme 2023. Collection method: clinical testing. Allele origin: germline.

CeGaT Center for Human Genetics Tuebingen
Classification: Uncertain significance. Last evaluated: 2024-12-01. Review status: criteria provided, single submitter. Criteria: CeGaT Center For Human Genetics Tuebingen Variant Classification Criteria Version 2. Collection method: clinical testing. Allele origin: germline. Affected: yes. Observed: 1 variant allele.
Comment: SLC7A7: PM2

Fulgent Genetics
Classification: Likely benign for Lysinuric protein intolerance. Last evaluated: 2024-02-28. Review status: criteria provided, single submitter. Criteria: ACMG Guidelines, 2015. Collection method: clinical testing. Allele origin: germline.

Labcorp Genetics (formerly Invitae), Labcorp
Classification: Uncertain significance for Lysinuric protein intolerance. Last evaluated: 2022-11-01. Review status: criteria provided, single submitter. Criteria: Invitae Variant Classification Sherloc (09022015). Collection method: clinical testing. Allele origin: germline.
Comment: This sequence change replaces valine, which is neutral and non-polar, with leucine, which is neutral and non-polar, at codon 31 of the SLC7A7 protein (p.Val31Leu). This variant is present in population databases (rs142956369, gnomAD 0.1%). This variant has not been reported in the literature in individuals affected with SLC7A7-related conditions. ClinVar contains an entry for this variant (Variation ID: 581725). Algorithms developed to predict the effect of missense changes on protein structure and function (SIFT, PolyPhen-2, Align-GVGD) all suggest that this variant is likely to be tolerated. In summary, the available evidence is currently insufficient to determine the role of this variant in disease. Therefore, it has been classified as a Variant of Uncertain Significance.

Natera, Inc.
Classification: Uncertain significance for Lysinuric protein intolerance. Last evaluated: 2019-11-11. Review status: no assertion criteria provided. Collection method: clinical testing. Allele origin: germline. Not counted in ClinVar's aggregate classification.

NM_003982.4(SLC7A7):c.91G>C (p.Val31Leu)

Genes: SLC7A7 (solute carrier family 7 member 7; minus strand), LOC130055323 (ATAC-STARR-seq lymphoblastoid silent region 5589; plus strand). Cytogenetic location: 14q11.2.
Variant type: single nucleotide variant.
Coding change: c.91G>C on transcript NM_003982.4 (MANE Select); coding-DNA position 91, G replaced by C.
Protein change: p.Val31Leu; replaces valine 31 with leucine.
Molecular consequence: missense variant.
Genome position (GRCh38, 1-based): chr14:22,813,308, C>G on the plus strand (G>C on the coding strand, the complement: SLC7A7 is on the minus strand). VCF-style: chr14-22813308-C-G. GRCh37 (hg19) VCF-style: chr14-23282517-C-G.
Other names: p.Val31Leu; c.91G>C, p.Val31Leu (NM_001126105.3, NM_001126106.4); short protein forms V31L.
Identifiers: ClinVar variation 581725 (VCV000581725.24), dbSNP rs142956369, ClinGen allele CA7104763.